The following is an entry in ClinVar:

NM_018052.5(VAC14):c.318C>G (p.Asp106Glu)

Gene: VAC14 (VAC14 component of PIKFYVE complex; minus strand). Cytogenetic location: 16q22.1.
Variant type: single nucleotide variant.
Coding change: c.318C>G on transcript NM_018052.5 (MANE Select); coding-DNA position 318, C replaced by G.
Protein change: p.Asp106Glu; replaces aspartic acid 106 with glutamic acid.
Molecular consequence: missense variant. On other transcripts: 5 prime UTR variant (1).
Genome position (GRCh38, 1-based): chr16:70,785,807, G>C on the plus strand (C>G on the coding strand, the complement: VAC14 is on the minus strand). VCF-style: chr16-70785807-G-C. GRCh37 (hg19) VCF-style: chr16-70819710-G-C.
Other names: c.-385C>G (NM_001351157.2); c.318C>G (NM_018052.3); short protein forms D106E.
Identifiers: ClinVar variation 1503235 (VCV001503235.4), dbSNP rs892725755, ClinGen allele CA283510447.

ClinVar aggregate classification (germline): Uncertain significance. Review status: criteria provided, multiple submitters, no conflicts (2 of 4 stars). 2 submissions from 2 submitters: Uncertain significance (2). Last evaluated 2024-11-14.

Conditions:
Inborn genetic diseases. Identifiers: MedGen C0950123, MeSH D030342.

Allele frequency attached by ClinVar (database versions not stated): gnomAD exomes below 0.00001 and 0.00002; TOPMed 0.00003.
gnomAD v4.1: 7 of 1,601,600 alleles (0.00044%); highest among the groups gnomAD compares: Admixed American, 0.0051%; no homozygotes.

Submissions (2):

Ambry Genetics
Classification: Uncertain significance for Inborn genetic diseases. Last evaluated: 2024-11-14. Review status: criteria provided, single submitter. Criteria: Ambry Variant Classification Scheme 2023. Collection method: clinical testing. Allele origin: germline.

Labcorp Genetics (formerly Invitae), Labcorp
Classification: Uncertain significance. Last evaluated: 2022-07-03. Review status: criteria provided, single submitter. Criteria: Invitae Variant Classification Sherloc (09022015). Collection method: clinical testing. Allele origin: germline.
Comment: This sequence change replaces aspartic acid, which is acidic and polar, with glutamic acid, which is acidic and polar, at codon 106 of the VAC14 protein (p.Asp106Glu). This variant is present in population databases (no rsID available, gnomAD 0.008%). This variant has not been reported in the literature in individuals affected with VAC14-related conditions. ClinVar contains an entry for this variant (Variation ID: 1503235). Algorithms developed to predict the effect of missense changes on protein structure and function are either unavailable or do not agree on the potential impact of this missense change (SIFT: "Deleterious"; PolyPhen-2: "Probably Damaging"; Align-GVGD: "Class C0"). In summary, the available evidence is currently insufficient to determine the role of this variant in disease. Therefore, it has been classified as a Variant of Uncertain Significance.